The following is an entry in ClinVar:

ClinVar aggregate classification (germline): Uncertain significance (1 of 4 stars; one submission).

Conditions:
Inborn genetic diseases. Identifiers: MedGen C0950123, MeSH D030342.

Submission:

Ambry Genetics
Classification: Uncertain significance for Inborn genetic diseases. Last evaluated: 2025-07-18. Review status: criteria provided, single submitter. Criteria: Ambry Variant Classification Scheme 2023. Collection method: clinical testing. Allele origin: germline.
Comment: The p.G41R variant (also known as c.121G>A), located in coding exon 2 of the HAX1 gene, results from a G to A substitution at nucleotide position 121. The glycine at codon 41 is replaced by arginine, an amino acid with dissimilar properties. This amino acid position is conserved. In addition, this alteration is predicted to be tolerated by in silico analysis. Based on the available evidence, the clinical significance of this variant remains unclear.

NM_006118.4(HAX1):c.121G>A (p.Gly41Arg)

Gene: HAX1 (HCLS1 associated protein X-1; plus strand). Cytogenetic location: 1q21.3.
Variant type: single nucleotide variant.
Coding change: c.121G>A on transcript NM_006118.4 (MANE Select); coding-DNA position 121, G replaced by A.
Protein change: p.Gly41Arg; replaces glycine 41 with arginine.
Molecular consequence: missense variant. On other transcripts: intron variant (1).
Genome position (GRCh38, 1-based): chr1:154,273,403, G>A. VCF-style: chr1-154273403-G-A. GRCh37 (hg19) VCF-style: chr1-154245879-G-A.
Other names: c.54-77G>A (NM_001018837.2); short protein forms G41R.
Identifiers: ClinVar variation 4269031 (VCV004269031.1).